The following is an entry in ClinVar:

ClinVar aggregate classification (germline): Uncertain significance (1 of 4 stars; one submission).

Conditions:
Inborn genetic diseases. Identifiers: MedGen C0950123, MeSH D030342.

Allele frequency attached by ClinVar (database versions not stated): gnomAD 0.00002.
gnomAD v4.1: 5 of 1,559,108 alleles (0.00032%); highest among the groups gnomAD compares: Non-Finnish European, 0.00043%; no homozygotes.

Submission:

Ambry Genetics
Classification: Uncertain significance for Inborn genetic diseases. Last evaluated: 2023-02-28. Review status: criteria provided, single submitter. Criteria: Ambry Variant Classification Scheme 2023. Collection method: clinical testing. Allele origin: germline.
Comment: The c.1614T>G (p.N538K) alteration is located in exon 15 (coding exon 15) of the EBF3 gene. This alteration results from a T to G substitution at nucleotide position 1614, causing the asparagine (N) at amino acid position 538 to be replaced by a lysine (K). This variant was not reported in population-based cohorts in the Genome Aggregation Database (gnomAD). This amino acid position is highly conserved in available vertebrate species. This alteration is predicted to be tolerated by in silico analysis. Based on insufficient or conflicting evidence, the clinical significance of this alteration remains unclear.

NM_001375380.1(EBF3):c.1749T>G (p.Asn583Lys)

Gene: EBF3 (EBF transcription factor 3; minus strand). Cytogenetic location: 10q26.3.
Variant type: single nucleotide variant.
Coding change: c.1749T>G on transcript NM_001375380.1 (MANE Select); coding-DNA position 1749, T replaced by G.
Protein change: p.Asn583Lys; replaces asparagine 583 with lysine.
Molecular consequence: missense variant.
Genome position (GRCh38, 1-based): chr10:129,840,255, A>C on the plus strand (T>G on the coding strand, the complement: EBF3 is on the minus strand). VCF-style: chr10-129840255-A-C. GRCh37 (hg19) VCF-style: chr10-131638519-A-C.
Other names: c.1614T>G, p.Asn538Lys (NM_001005463.3, NM_001375390.1); c.1749T>G, p.Asn583Lys (NM_001375379.1); c.1641T>G, p.Asn547Lys (NM_001375389.1, NM_001375391.1); c.1533T>G, p.Asn511Lys (NM_001375392.1); short protein forms N538K, N583K, N511K, N547K.
Identifiers: ClinVar variation 2479019 (VCV002479019.2), dbSNP rs771038634, ClinGen allele CA5748253.
Genomic context (GRCh38, chr10:129,840,255, plus strand): 5'-CACCCCTGGAGAGGACCCAGCACTGGCCCACGGCCCCGCACCACCCTCACCTTGCAGTCC[A>C]TTCCCGTTGGCGCTGGTGCAGGAAGGAGGAGGAGAGGCTTGGGGCCGGACCACGGGCGCG-3'
Protein context (NP_001362309.1, residues 573-593): PPPSCTSANG[Asn583Lys]GLQGSLLGAE